The following is an entry in ClinVar:

NM_017617.5(NOTCH1):c.4963G>C (p.Gly1655Arg)

Gene: NOTCH1 (notch receptor 1; minus strand). Cytogenetic location: 9q34.3.
Variant type: single nucleotide variant.
Coding change: c.4963G>C on transcript NM_017617.5 (MANE Select); coding-DNA position 4963, G replaced by C.
Protein change: p.Gly1655Arg; replaces glycine 1655 with arginine.
Molecular consequence: missense variant.
Genome position (GRCh38, 1-based): chr9:136,504,728, C>G on the plus strand (G>C on the coding strand, the complement: NOTCH1 is on the minus strand). VCF-style: chr9-136504728-C-G. GRCh37 (hg19) VCF-style: chr9-139399180-C-G.
Other names: short protein forms G1655R.
Identifiers: ClinVar variation 2566653 (VCV002566653.2), dbSNP rs1322678641, ClinGen allele CA375644213.

ClinVar aggregate classification (germline): Uncertain significance (1 of 4 stars; one submission).

Conditions:
Familial thoracic aortic aneurysm and aortic dissection (TAAD). Also called: Thoracic aortic aneurysms and dissections. Identifiers: Orphanet 91387, MedGen C4707243, MONDO:0019625.

Submission:

Ambry Genetics
Classification: Uncertain significance for Familial thoracic aortic aneurysm and aortic dissection. Last evaluated: 2023-05-14. Review status: criteria provided, single submitter. Criteria: Ambry Variant Classification Scheme 2023. Collection method: clinical testing. Allele origin: germline.
Comment: The p.G1655R variant (also known as c.4963G>C), located in coding exon 26 of the NOTCH1 gene, results from a G to C substitution at nucleotide position 4963. The glycine at codon 1655 is replaced by arginine, an amino acid with dissimilar properties. This amino acid position is conserved. In addition, this alteration is predicted to be tolerated by in silico analysis. Since supporting evidence is limited at this time, the clinical significance of this alteration remains unclear.